The following is an entry in ClinVar:

ClinVar aggregate classification (germline): Uncertain significance (1 of 4 stars; one submission).

Conditions:
Aortic aneurysm, familial thoracic 4 (AAT4). Also called: AORTIC ANEURYSM/AORTIC DISSECTION AND PATENT DUCTUS ARTERIOSUS. Identifiers: MedGen C1851504, MONDO:0007568, OMIM 132900.

Submission:

Labcorp Genetics (formerly Invitae), Labcorp
Classification: Uncertain significance for Aortic aneurysm, familial thoracic 4. Last evaluated: 2025-12-27. Review status: criteria provided, single submitter. Criteria: Invitae Variant Classification Sherloc (09022015). Collection method: clinical testing. Allele origin: germline.
Comment: This sequence change replaces threonine, which is neutral and polar, with alanine, which is neutral and non-polar, at codon 893 of the MYH11 protein (p.Thr893Ala). This variant is not present in population databases (gnomAD no frequency). This variant has not been reported in the literature in individuals affected with MYH11-related conditions. Invitae Evidence Modeling of protein sequence and biophysical properties (such as structural, functional, and spatial information, amino acid conservation, physicochemical variation, residue mobility, and thermodynamic stability) indicates that this missense variant is not expected to disrupt MYH11 protein function with a negative predictive value of 95%. In summary, the available evidence is currently insufficient to determine the role of this variant in disease. Therefore, it has been classified as a Variant of Uncertain Significance.

NM_002474.3(MYH11):c.2656A>G (p.Thr886Ala)

Gene: MYH11 (myosin heavy chain 11; minus strand). Cytogenetic location: 16p13.11.
Variant type: single nucleotide variant.
Coding change: c.2656A>G on transcript NM_002474.3 (MANE Select); coding-DNA position 2656, A replaced by G.
Protein change: p.Thr886Ala; replaces threonine 886 with alanine.
Molecular consequence: missense variant.
Genome position (GRCh38, 1-based): chr16:15,741,666, T>C on the plus strand (A>G on the coding strand, the complement: MYH11 is on the minus strand). VCF-style: chr16-15741666-T-C. GRCh37 (hg19) VCF-style: chr16-15835523-T-C.
Other names: c.2677A>G, p.Thr893Ala (NM_001040113.2, NM_001040114.2); c.2656A>G, p.Thr886Ala (NM_022844.3); short protein forms T893A, T886A.
Identifiers: ClinVar variation 4745881 (VCV004745881.1).